The following is an entry in ClinVar:

ClinVar aggregate classification (germline): Uncertain significance (1 of 4 stars; one submission).

Conditions:
Walker-Warburg congenital muscular dystrophy. Also called: Muscular dystrophy-dystroglycanopathy, type A; Walker-Warburg syndrome. Identifiers: Orphanet 899, MedGen C0265221, MONDO:0000171.
Muscular dystrophy-dystroglycanopathy (congenital with impaired intellectual development), type B, 1. Also called: MUSCULAR DYSTROPHY, CONGENITAL, POMT1-RELATED; Muscular dystrophy-dystroglycanopathy (congenital with intellectual disability), type B1. Identifiers: MedGen C5436962, MONDO:0013159, OMIM 613155.
Autosomal recessive limb-girdle muscular dystrophy type 2K. Also called: MUSCULAR DYSTROPHY-DYSTROGLYCANOPATHY (LIMB-GIRDLE), TYPE C, 1; MUSCULAR DYSTROPHY, LIMB-GIRDLE, TYPE 2K. Identifiers: Orphanet 86812, MedGen C1836373, MONDO:0012248, OMIM 609308.

gnomAD v4.1: 2 of 1,614,218 alleles (0.00012%); highest among the groups gnomAD compares: Non-Finnish European, 0.00017%; no homozygotes.

Submission:

Labcorp Genetics (formerly Invitae), Labcorp
Classification: Uncertain significance for Muscular dystrophy-dystroglycanopathy (congenital with impaired intellectual development), type B, 1; Walker-Warburg congenital muscular dystrophy; Autosomal recessive limb-girdle muscular dystrophy type 2K. Last evaluated: 2022-08-09. Review status: criteria provided, single submitter. Criteria: Invitae Variant Classification Sherloc (09022015). Collection method: clinical testing. Allele origin: germline.
Comment: In summary, the available evidence is currently insufficient to determine the role of this variant in disease. Therefore, it has been classified as a Variant of Uncertain Significance. Algorithms developed to predict the effect of missense changes on protein structure and function are either unavailable or do not agree on the potential impact of this missense change (SIFT: "Tolerated"; PolyPhen-2: "Probably Damaging"; Align-GVGD: "Class C0"). This variant has not been reported in the literature in individuals affected with POMT1-related conditions. This variant is not present in population databases (gnomAD no frequency). This sequence change replaces alanine, which is neutral and non-polar, with glycine, which is neutral and non-polar, at codon 39 of the POMT1 protein (p.Ala39Gly).

NM_001077365.2(POMT1):c.116C>G (p.Ala39Gly)

Gene: POMT1 (protein O-mannosyltransferase 1; plus strand). Cytogenetic location: 9q34.13.
Variant type: single nucleotide variant.
Coding change: c.116C>G on transcript NM_001077365.2 (MANE Select); coding-DNA position 116, C replaced by G.
Protein change: p.Ala39Gly; replaces alanine 39 with glycine.
Molecular consequence: missense variant. On other transcripts: 5 prime UTR variant (4), non-coding transcript variant (4), intron variant (9).
Genome position (GRCh38, 1-based): chr9:131,504,334, C>G. VCF-style: chr9-131504334-C-G. GRCh37 (hg19) VCF-style: chr9-134379721-C-G.
Other names: c.116C>G, p.Ala39Gly (NM_001136113.2, NM_001353193.2, NM_001353196.2 and 2 more transcripts); c.-129C>G (NM_001353195.2); c.-356C>G (NM_001353198.2); c.-78C>G (NM_001374692.1); c.-36C>G (NM_001374695.1); c.-41+1021C>G (NM_001353194.2); c.-72+1021C>G (NM_001374691.1); c.-41+1261C>G (NM_001374689.1, NM_001353197.2, NM_001077366.2 and 1 more transcripts); and 2 more; short protein forms A39G.
Identifiers: ClinVar variation 1987809 (VCV001987809.4), dbSNP rs2131555907, ClinGen allele CA375305364.